The following is an entry in ClinVar:

NM_000441.2(SLC26A4):c.2034+1G>T

Gene: SLC26A4 (solute carrier family 26 member 4; plus strand). Cytogenetic location: 7q22.3.
Variant type: single nucleotide variant.
Coding change: c.2034+1G>T on transcript NM_000441.2 (MANE Select); the canonical splice donor site of the intron after coding-DNA position 2034, G replaced by T.
Molecular consequence: splice donor variant.
Genome position (GRCh38, 1-based): chr7:107,702,058, G>T. VCF-style: chr7-107702058-G-T. GRCh37 (hg19) VCF-style: chr7-107342503-G-T.
Other names: c.2034+1G>T (NM_000441.1).
Identifiers: ClinVar variation 2678939 (VCV002678939.2), dbSNP rs759683649, ClinGen allele CA368843860.

ClinVar aggregate classification (germline): Pathogenic/Likely pathogenic. Review status: criteria provided, multiple submitters, no conflicts (2 of 4 stars). 2 submissions from 2 submitters: Pathogenic (1); Likely pathogenic (1). Last evaluated 2026-03-05.

Conditions:
Autosomal recessive nonsyndromic hearing loss 4 (DFNB4). Also called: FOXI1-Related Pendred Syndrome; KCNJ10-Related Pendred Syndrome; DEAFNESS, AUTOSOMAL RECESSIVE 4, WITH ENLARGED VESTIBULAR AQUEDUCT, DIGENIC; Deafness, autosomal recessive 4, with enlarged vestibular aqueduct; Enlarged vestibular aqueduct, digenic; NEUROSENSORY NONSYNDROMIC RECESSIVE DEAFNESS 4. Identifiers: Orphanet 90636, MedGen C3538946, MONDO:0010933, OMIM 600791.
SLC26A4-related disorder. Also called: SLC26A4-related disorders; SLC26A4-related condition.

Allele frequency attached by ClinVar (database versions not stated): TOPMed below 0.00001; gnomAD 0.00001.
gnomAD v4.1: 1 of 1,593,798 alleles (0.000063%); highest among the groups gnomAD compares: African/African-American, 0.0013%; no homozygotes.

Submissions (2):

PreventionGenetics, part of Exact Sciences
Classification: Likely pathogenic for SLC26A4-related condition. Last evaluated: 2026-03-05. Review status: criteria provided, single submitter. Criteria: ACMG Guidelines, 2015. Collection method: clinical testing. Allele origin: germline.
Comment: The SLC26A4 c.2034+1G>T variant is predicted to disrupt the GT donor site and interfere with normal splicing. To our knowledge, this variant has not been reported in the literature. This variant is reported in 0.011% of alleles in individuals of African descent in gnomAD. Variants that disrupt the consensus splice donor site in SLC26A4 are expected to be pathogenic. This variant is interpreted as likely pathogenic.

Baylor Genetics
Classification: Pathogenic for Autosomal recessive nonsyndromic hearing loss 4. Last evaluated: 2022-09-15. Review status: criteria provided, single submitter. Criteria: ACMG Guidelines, 2015. Collection method: clinical testing. Allele origin: unknown.